The following is an entry in ClinVar:

ClinVar aggregate classification (germline): Uncertain significance (1 of 4 stars; one submission).

Conditions:
Neu-Laxova syndrome 2. Identifiers: Orphanet 2671, Orphanet 583602, MedGen C4015019, MONDO:0014466, OMIM 616038.

Submission:

Labcorp Genetics (formerly Invitae), Labcorp
Classification: Uncertain significance for Neu-Laxova syndrome 2. Last evaluated: 2021-07-30. Review status: criteria provided, single submitter. Criteria: Invitae Variant Classification Sherloc (09022015). Collection method: clinical testing. Allele origin: germline.
Comment: In summary, the available evidence is currently insufficient to determine the role of this variant in disease. Therefore, it has been classified as a Variant of Uncertain Significance. Algorithms developed to predict the effect of missense changes on protein structure and function (SIFT, PolyPhen-2, Align-GVGD) all suggest that this variant is likely to be tolerated. This variant has not been reported in the literature in individuals affected with PSAT1-related conditions. This variant is not present in population databases (ExAC no frequency). This sequence change replaces valine with phenylalanine at codon 290 of the PSAT1 protein (p.Val290Phe). The valine residue is moderately conserved and there is a small physicochemical difference between valine and phenylalanine.

NM_058179.4(PSAT1):c.868G>T (p.Val290Phe)

Gene: PSAT1 (phosphoserine aminotransferase 1; plus strand). Cytogenetic location: 9q21.2.
Variant type: single nucleotide variant.
Coding change: c.868G>T on transcript NM_058179.4 (MANE Select); coding-DNA position 868, G replaced by T.
Protein change: p.Val290Phe; replaces valine 290 with phenylalanine.
Molecular consequence: missense variant.
Genome position (GRCh38, 1-based): chr9:78,317,803, G>T. VCF-style: chr9-78317803-G-T. GRCh37 (hg19) VCF-style: chr9-80932719-G-T.
Other names: c.868G>T, p.Val290Leu (NM_021154.5); short protein forms V290F, V290L.
Identifiers: ClinVar variation 1418994 (VCV001418994.6), dbSNP rs200049723, ClinGen allele CA373857693.